The following is an entry in ClinVar:

ClinVar aggregate classification (germline): Likely benign (1 of 4 stars; one submission).

Submission:

GeneDx
Classification: Likely benign. Last evaluated: 2016-06-30. Review status: criteria provided, single submitter. Criteria: GeneDx Variant Classification (06012015). Collection method: clinical testing. Allele origin: germline. Affected: yes.
Comment: This variant is considered likely benign or benign based on one or more of the following criteria: it is a conservative change, it occurs at a poorly conserved position in the protein, it is predicted to be benign by multiple in silico algorithms, and/or has population frequency not consistent with disease.

NM_015443.4(KANSL1):c.3035A>G (p.His1012Arg)

Gene: KANSL1 (KAT8 regulatory NSL complex subunit 1). Cytogenetic location: 17q21.31.
Variant type: single nucleotide variant.
Coding change: c.3035A>G on transcript NM_015443.4 (MANE Select); coding-DNA position 3035, A replaced by G.
Protein change: p.His1012Arg; replaces histidine 1012 with arginine.
Molecular consequence: missense variant.
Genome position (GRCh38, 1-based): chr17:46,032,102, T>C on the plus strand (A>G on the coding strand, the complement: KANSL1 is on the minus strand). VCF-style: chr17-46032102-T-C. GRCh37 (hg19) VCF-style: chr17-44109468-T-C.
Other names: c.3032A>G, p.His1011Arg (NM_001193465.2); c.3035A>G, p.His1012Arg (NM_001193466.2, NM_001379198.1); short protein forms H1012R, H1011R.
Identifiers: ClinVar variation 387227 (VCV000387227.1), dbSNP rs1057522732, ClinGen allele CA16607297.
Genomic context (GRCh38, chr17:46,032,102, plus strand): 5'-CTTACCTGTTCATCCAGCCCCAGCTCTGGTGTGGAACAACGGGTATCCTCACTGGCTAAG[T>C]GTCGCGGAGTGTCCCGAGCCACAGGGGTGAGGGGTGCTGAGTGCAGTTCCGGGCTAATGG-3'
Protein context (NP_056258.1, residues 1002-1022): LTPVARDTPR[His1012Arg]LASEDTRCST